The following is an entry in ClinVar:

ClinVar aggregate classification (germline): Uncertain significance. Review status: criteria provided, multiple submitters, no conflicts (2 of 4 stars). 2 submissions from 2 submitters: Uncertain significance (2). Last evaluated 2025-02-28.

Conditions:
Inborn genetic diseases. Identifiers: MedGen C0950123, MeSH D030342.

Allele frequency attached by ClinVar (database versions not stated): gnomAD exomes below 0.00001; gnomAD 0.00001; TOPMed 0.00001.
gnomAD v4.1: 7 of 1,614,050 alleles (0.00043%); highest among the groups gnomAD compares: Non-Finnish European, 0.00059%; no homozygotes.

Submissions (2):

Ambry Genetics
Classification: Uncertain significance for Inborn genetic diseases. Last evaluated: 2025-02-28. Review status: criteria provided, single submitter. Criteria: Ambry Variant Classification Scheme 2023. Collection method: clinical testing. Allele origin: germline.

Labcorp Genetics (formerly Invitae), Labcorp
Classification: Uncertain significance. Last evaluated: 2022-09-17. Review status: criteria provided, single submitter. Criteria: Invitae Variant Classification Sherloc (09022015). Collection method: clinical testing. Allele origin: germline.
Comment: This variant is not present in population databases (gnomAD no frequency). This sequence change replaces lysine, which is basic and polar, with arginine, which is basic and polar, at codon 509 of the ADAMTS18 protein (p.Lys509Arg). In summary, the available evidence is currently insufficient to determine the role of this variant in disease. Therefore, it has been classified as a Variant of Uncertain Significance. Algorithms developed to predict the effect of missense changes on protein structure and function are either unavailable or do not agree on the potential impact of this missense change (SIFT: "Not Available"; PolyPhen-2: "Benign"; Align-GVGD: "Not Available"). This variant has not been reported in the literature in individuals affected with ADAMTS18-related conditions.

NM_199355.4(ADAMTS18):c.1526A>G (p.Lys509Arg)

Gene: ADAMTS18 (ADAM metallopeptidase with thrombospondin type 1 motif 18; minus strand). Cytogenetic location: 16q23.1.
Variant type: single nucleotide variant.
Coding change: c.1526A>G on transcript NM_199355.4 (MANE Select); coding-DNA position 1526, A replaced by G.
Protein change: p.Lys509Arg; replaces lysine 509 with arginine.
Molecular consequence: missense variant.
Genome position (GRCh38, 1-based): chr16:77,353,821, T>C on the plus strand (A>G on the coding strand, the complement: ADAMTS18 is on the minus strand). VCF-style: chr16-77353821-T-C. GRCh37 (hg19) VCF-style: chr16-77387718-T-C.
Other names: c.1010A>G, p.Lys337Arg (NM_001326358.2); c.1526A>G (NM_199355.2); short protein forms K337R, K509R.
Identifiers: ClinVar variation 1943364 (VCV001943364.6), dbSNP rs1373590851, ClinGen allele CA396834538.